The following is an entry in ClinVar:

NM_152490.5(B3GALNT2):c.210AAG[1] (p.Arg71del)

Gene: B3GALNT2 (beta-1,3-N-acetylgalactosaminyltransferase 2; minus strand). Cytogenetic location: 1q42.3.
Variant type: Microsatellite.
Coding change: c.210AAG[1] on transcript NM_152490.5 (MANE Select); one copy of the 3-base unit AAG starting at c.210; the reference has two copies in a row; one copy, 3 bases deleted.
Protein change: p.Arg71del; deletes arginine 71.
Molecular consequence: inframe deletion.
Genome position (GRCh38, 1-based): chr1:235,494,726-235,494,728, CTT deleted on the plus strand (AAG on the coding strand, the reverse complement: B3GALNT2 is on the minus strand); deleting any 3 consecutive bases within chr1:235,494,726-235,494,731 gives the same sequence; the position shown is the placement nearest the transcript's 3' end. VCF-style (leftmost placement, unchanged base first): chr1-235494725-GCTT-G. GRCh37 (hg19) VCF-style: chr1-235658035-GCTT-G.
Other names: c.333AAG[1], p.Arg112del (NM_001277155.3); short protein forms R112del, R71del.
Identifiers: ClinVar variation 2057177 (VCV002057177.4), dbSNP rs1273531260, ClinGen allele CA529474994.

ClinVar aggregate classification (germline): Uncertain significance (1 of 4 stars; one submission).

Conditions:
Muscular dystrophy-dystroglycanopathy (congenital with brain and eye anomalies), type a, 11 (MDDGA11). Also called: WALKER-WARBURG SYNDROME OR MUSCLE-EYE-BRAIN DISEASE, B3GALNT2-RELATED; Congenital muscular dystrophy-dystroglycanopathy with brain and eye anomalies, type A11; Muscular dystrophy-dystroglycanopathy (congenital with brain and eye anomalies, type A, 11. Identifiers: Orphanet 588, Orphanet 899, MedGen C3554638, MONDO:0014071, OMIM 615181.

Submission:

Labcorp Genetics (formerly Invitae), Labcorp
Classification: Uncertain significance for Muscular dystrophy-dystroglycanopathy (congenital with brain and eye anomalies), type a, 11. Last evaluated: 2024-10-22. Review status: criteria provided, single submitter. Criteria: Invitae Variant Classification Sherloc (09022015). Collection method: clinical testing. Allele origin: germline.
Comment: This variant, c.213_215del, results in the deletion of 1 amino acid(s) of the B3GALNT2 protein (p.Arg71del), but otherwise preserves the integrity of the reading frame. This variant is present in population databases (no rsID available, gnomAD 0.06%). This variant has not been reported in the literature in individuals affected with B3GALNT2-related conditions. Experimental studies and prediction algorithms are not available or were not evaluated, and the functional significance of this variant is currently unknown. In summary, the available evidence is currently insufficient to determine the role of this variant in disease. Therefore, it has been classified as a Variant of Uncertain Significance.